The following is an entry in ClinVar:

NM_000135.4(FANCA):c.887G>C (p.Arg296Thr)

Gene: FANCA (FA complementation group A; minus strand). Cytogenetic location: 16q24.3.
Variant type: single nucleotide variant.
Coding change: c.887G>C on transcript NM_000135.4 (MANE Select); coding-DNA position 887, G replaced by C.
Protein change: p.Arg296Thr; replaces arginine 296 with threonine.
Molecular consequence: missense variant.
Genome position (GRCh38, 1-based): chr16:89,799,172, C>G on the plus strand (G>C on the coding strand, the complement: FANCA is on the minus strand). VCF-style: chr16-89799172-C-G. GRCh37 (hg19) VCF-style: chr16-89865580-C-G.
Other names: c.887G>C (LRG_495t1); c.887G>C, p.Arg296Thr (NM_001018112.3, NM_001286167.3); c.791G>C, p.Arg264Thr (NM_001351830.2); short protein forms R296T, R264T.
Identifiers: ClinVar variation 237059 (VCV000237059.8), dbSNP rs878853667, ClinGen allele CA10583441.

ClinVar aggregate classification (germline): Uncertain significance. Review status: criteria provided, single submitter (1 of 4 stars). 2 submissions from 2 submitters: Uncertain significance (1). 1 of the submissions does not count toward it. Last evaluated 2022-03-07.

Conditions:
Fanconi anemia (FA). Also called: Fanconi's anemia. Identifiers: Orphanet 84, MedGen C0015625, MeSH D005199, MONDO:0019391.

Allele frequency attached by ClinVar (database versions not stated): gnomAD exomes below 0.00001.
gnomAD v4.1: 4 of 1,614,216 alleles (0.00025%); highest among the groups gnomAD compares: Non-Finnish European, 0.00025%; no homozygotes.

Submissions (2):

Labcorp Genetics (formerly Invitae), Labcorp
Classification: Uncertain significance for Fanconi anemia. Last evaluated: 2022-03-07. Review status: criteria provided, single submitter. Criteria: Invitae Variant Classification Sherloc (09022015). Collection method: clinical testing. Allele origin: germline.
Comment: This sequence change replaces arginine, which is basic and polar, with threonine, which is neutral and polar, at codon 296 of the FANCA protein (p.Arg296Thr). This variant is not present in population databases (gnomAD no frequency). This variant has not been reported in the literature in individuals affected with FANCA-related conditions. ClinVar contains an entry for this variant (Variation ID: 237059). Advanced modeling of protein sequence and biophysical properties (such as structural, functional, and spatial information, amino acid conservation, physicochemical variation, residue mobility, and thermodynamic stability) performed at Invitae indicates that this missense variant is not expected to disrupt FANCA protein function. Algorithms developed to predict the effect of sequence changes on RNA splicing suggest that this variant may disrupt the consensus splice site. In summary, the available evidence is currently insufficient to determine the role of this variant in disease. Therefore, it has been classified as a Variant of Uncertain Significance.

Natera, Inc.
Classification: Uncertain significance for Fanconi anemia. Last evaluated: 2020-09-09. Review status: no assertion criteria provided. Collection method: clinical testing. Allele origin: germline. Not counted in ClinVar's aggregate classification.